The following is an entry in ClinVar:

NM_000316.3(PTH1R):c.553G>A (p.Asp185Asn)

Gene: PTH1R (parathyroid hormone 1 receptor; plus strand). Cytogenetic location: 3p21.31.
Variant type: single nucleotide variant.
Coding change: c.553G>A on transcript NM_000316.3 (MANE Select); coding-DNA position 553, G replaced by A.
Protein change: p.Asp185Asn; replaces aspartic acid 185 with asparagine.
Molecular consequence: missense variant.
Genome position (GRCh38, 1-based): chr3:46,898,387, G>A. VCF-style: chr3-46898387-G-A. GRCh37 (hg19) VCF-style: chr3-46939877-G-A.
Other names: c.553G>A, p.Asp185Asn (NM_001184744.1); short protein forms D185N.
Identifiers: ClinVar variation 2741119 (VCV002741119.3), dbSNP rs2545038484, ClinGen allele CA352495682.

ClinVar aggregate classification (germline): Uncertain significance (1 of 4 stars; one submission).

Submission:

Labcorp Genetics (formerly Invitae), Labcorp
Classification: Uncertain significance. Last evaluated: 2025-05-19. Review status: criteria provided, single submitter. Criteria: Invitae Variant Classification Sherloc (09022015). Collection method: clinical testing. Allele origin: germline.
Comment: This sequence change replaces aspartic acid, which is acidic and polar, with asparagine, which is neutral and polar, at codon 185 of the PTH1R protein (p.Asp185Asn). This variant is not present in population databases (gnomAD no frequency). This variant has not been reported in the literature in individuals affected with PTH1R-related conditions. ClinVar contains an entry for this variant (Variation ID: 2741119). Invitae Evidence Modeling of protein sequence and biophysical properties (such as structural, functional, and spatial information, amino acid conservation, physicochemical variation, residue mobility, and thermodynamic stability) indicates that this missense variant is not expected to disrupt PTH1R protein function with a negative predictive value of 80%. In summary, the available evidence is currently insufficient to determine the role of this variant in disease. Therefore, it has been classified as a Variant of Uncertain Significance.